The following is an entry in ClinVar:

ClinVar aggregate classification (germline): Pathogenic (1 of 4 stars; one submission).

Conditions:
Methylmalonic acidemia with homocystinuria, type cblJ (MAHCJ). Also called: METHYLMALONIC ACIDURIA AND HOMOCYSTINURIA, cblJ TYPE. Identifiers: Orphanet 369955, MedGen C3553915, MONDO:0013925, OMIM 614857.

Allele frequency attached by ClinVar (database versions not stated): gnomAD exomes below 0.00001; TOPMed below 0.00001.
gnomAD v4.1: 7 of 1,614,076 alleles (0.00043%); highest among the groups gnomAD compares: Non-Finnish European, 0.00059%; no homozygotes.

Submission:

Labcorp Genetics (formerly Invitae), Labcorp
Classification: Pathogenic for Methylmalonic acidemia with homocystinuria, type cblJ. Last evaluated: 2023-12-15. Review status: criteria provided, single submitter. Criteria: Invitae Variant Classification Sherloc (09022015). Collection method: clinical testing. Allele origin: germline.
Comment: This sequence change creates a premature translational stop signal (p.Arg152*) in the ABCD4 gene. It is expected to result in an absent or disrupted protein product. Loss-of-function variants in ABCD4 are known to be pathogenic (PMID: 22922874). This variant is present in population databases (no rsID available, gnomAD 0.006%). This variant has not been reported in the literature in individuals affected with ABCD4-related conditions. For these reasons, this variant has been classified as Pathogenic.

Literature cited by the submitters: PubMed 22922874.

NM_005050.4(ABCD4):c.454C>T (p.Arg152Ter)

Gene: ABCD4 (ATP binding cassette subfamily D member 4; minus strand). Cytogenetic location: 14q24.3.
Variant type: single nucleotide variant.
Coding change: c.454C>T on transcript NM_005050.4 (MANE Select); coding-DNA position 454, C replaced by T.
Protein change: p.Arg152Ter; replaces arginine 152 with a stop codon.
Molecular consequence: nonsense. On other transcripts: synonymous variant (3), 5 prime UTR variant (14), non-coding transcript variant (10).
Genome position (GRCh38, 1-based): chr14:74,296,421, G>A on the plus strand (C>T on the coding strand, the complement: ABCD4 is on the minus strand). VCF-style: chr14-74296421-G-A. GRCh37 (hg19) VCF-style: chr14-74763124-G-A.
Other names: c.454C>T, p.Arg152Ter (NM_001353591.2, NM_001353592.2, NM_020325.3); c.193C>T, p.Arg65Ter (NM_001353593.2, NM_001353594.2); c.45C>T, p.Ser15= (NM_001353595.2, NM_001353596.2, NM_001353597.2); c.-24C>T (NM_001353598.2, NM_001353599.2, NM_001353600.2 and 2 more transcripts); c.-236C>T (NM_001353602.2, NM_001353608.2); c.-241C>T (NM_001353603.2, NM_001353604.2, NM_001353605.2 and 4 more transcripts); c.325C>T, p.Arg109Ter (NM_020323.1); short protein forms R152*, R65*, R109*.
Identifiers: ClinVar variation 3013548 (VCV003013548.3), dbSNP rs1282760239, ClinGen allele CA390377988.